The following is an entry in ClinVar:

ClinVar aggregate classification (germline): Uncertain significance. Review status: criteria provided, multiple submitters, no conflicts (2 of 4 stars). 5 submissions from 5 submitters: Uncertain significance (5). Last evaluated 2025-11-22.

Conditions:
Hereditary cancer-predisposing syndrome. Also called: Hereditary Cancer Syndrome; Hereditary neoplastic syndrome; Neoplastic Syndromes, Hereditary; Tumor predisposition. Identifiers: Orphanet 140162, MedGen C0027672, MeSH D009386, MONDO:0015356.
Classic or attenuated familial adenomatous polyposis. Identifiers: MedGen CN372698, MONDO:0021057.
Familial adenomatous polyposis 1 (FAP1). Also called: FAMILIAL ADENOMATOUS POLYPOSIS 1, ATTENUATED; POLYPOSIS, ADENOMATOUS INTESTINAL. Identifiers: MedGen C2713442, MONDO:0021056, OMIM 175100. Disease mechanism: loss of function.

Submissions (5):

Labcorp Genetics (formerly Invitae), Labcorp
Classification: Uncertain significance for Familial adenomatous polyposis 1. Last evaluated: 2025-11-22. Review status: criteria provided, single submitter. Criteria: Invitae Variant Classification Sherloc (09022015). Collection method: clinical testing. Allele origin: germline.
Comment: This sequence change replaces serine, which is neutral and polar, with alanine, which is neutral and non-polar, at codon 2258 of the APC protein (p.Ser2258Ala). This variant is not present in population databases (gnomAD no frequency). This variant has not been reported in the literature in individuals affected with APC-related conditions. ClinVar contains an entry for this variant (Variation ID: 1692290). Invitae Evidence Modeling of protein sequence and biophysical properties (such as structural, functional, and spatial information, amino acid conservation, physicochemical variation, residue mobility, and thermodynamic stability) indicates that this missense variant is not expected to disrupt APC protein function with a negative predictive value of 95%. In summary, the available evidence is currently insufficient to determine the role of this variant in disease. Therefore, it has been classified as a Variant of Uncertain Significance.

Color Diagnostics, LLC DBA Color Health
Classification: Uncertain significance for Hereditary cancer-predisposing syndrome. Last evaluated: 2025-06-30. Review status: criteria provided, single submitter. Criteria: ACMG Guidelines, 2015. Collection method: clinical testing. Allele origin: germline.
Comment: This missense variant replaces serine with alanine at codon 2258 of the APC protein. Computational prediction suggests that this variant may not impact protein structure and function. To our knowledge, functional studies have not been reported for this variant. This variant has not been reported in individuals affected with APC-related disorders in the literature. This variant has not been identified in the general population by the Genome Aggregation Database (gnomAD). The available evidence is insufficient to determine the role of this variant in disease conclusively. Therefore, this variant is classified as a Variant of Uncertain Significance.

All of Us Research Program, National Institutes of Health
Classification: Uncertain significance for Classic or attenuated familial adenomatous polyposis. Last evaluated: 2023-07-19. Review status: criteria provided, single submitter. Criteria: ACMG Guidelines, 2015. Collection method: clinical testing. Allele origin: germline. Inheritance: Autosomal dominant inheritance. Observed: 1 variant allele, 1 heterozygote.
Comment: This missense variant replaces serine with alanine at codon 2258 of the APC protein. Computational prediction suggests that this variant may not impact protein structure and function (internally defined REVEL score threshold <= 0.5, PMID: 27666373). To our knowledge, functional studies have not been reported for this variant. This variant has not been reported in individuals affected with APC-related disorders in the literature. This variant has not been identified in the general population by the Genome Aggregation Database (gnomAD). The available evidence is insufficient to determine the role of this variant in disease conclusively. Therefore, this variant is classified as a Variant of Uncertain Significance.

This study involves interpretation of variants in research participants for the purpose of population health screening. Participant phenotype was not available at the time of variant classification. Additional details can be found in publication PMID: 35346344, PMCID: PMC8962531

Sema4
Classification: Uncertain significance for Hereditary cancer-predisposing syndrome. Last evaluated: 2021-09-15. Review status: criteria provided, single submitter. Criteria: Sema4 Curation Guidelines. Collection method: curation. Allele origin: germline.
Comment: The APC c.6772T>G (p.S2258A) variant has not been reported in the literature to our knowledge. This variant is not reported in the population database Genome Aggregation Database (PMID: 32461654) nor has it been reported in ClinVar. Functional studies have not been performed, and in silico predictions of the variant's effect on protein function are inconclusive. The evidence is insufficient to meet ACMG/AMP criteria for classifying the variant as benign or pathogenic. Thus, the clinical significance of this variant is currently uncertain.

Ambry Genetics
Classification: Uncertain significance for Hereditary cancer-predisposing syndrome. Last evaluated: 2021-07-13. Review status: criteria provided, single submitter. Criteria: Ambry Variant Classification Scheme 2023. Collection method: clinical testing. Allele origin: germline.
Comment: The p.S2258A variant (also known as c.6772T>G), located in coding exon 15 of the APC gene, results from a T to G substitution at nucleotide position 6772. The serine at codon 2258 is replaced by alanine, an amino acid with similar properties. This amino acid position is well conserved in available vertebrate species. In addition, in silico predictors for this gene do not accurately predict pathogenicity. Since supporting evidence is limited at this time, the clinical significance of this alteration remains unclear.

NM_000038.6(APC):c.6772T>G (p.Ser2258Ala)

Gene: APC (APC regulator of Wnt signaling pathway; plus strand). Cytogenetic location: 5q22.2.
Variant type: single nucleotide variant.
Coding change: c.6772T>G on transcript NM_000038.6 (MANE Select); coding-DNA position 6772, T replaced by G.
Protein change: p.Ser2258Ala; replaces serine 2258 with alanine.
Molecular consequence: missense variant.
Genome position (GRCh38, 1-based): chr5:112,842,366, T>G. VCF-style: chr5-112842366-T-G. GRCh37 (hg19) VCF-style: chr5-112178063-T-G.
Other names: c.6772T>G, p.Ser2258Ala (NM_001127510.3, NM_001354895.2); c.6718T>G, p.Ser2240Ala (NM_001127511.3); c.6826T>G, p.Ser2276Ala (NM_001354896.2); c.6802T>G, p.Ser2268Ala (NM_001354897.2); c.6697T>G, p.Ser2233Ala (NM_001354898.2); c.6688T>G, p.Ser2230Ala (NM_001354899.2); c.6649T>G, p.Ser2217Ala (NM_001354900.2); c.6595T>G, p.Ser2199Ala (NM_001354901.2); and 5 more; short protein forms S1975A, S2098A, S2132A, S2157A, S2167A, S2199A, S2217A, S2230A.
Identifiers: ClinVar variation 1692290 (VCV001692290.6), dbSNP rs2149972776, ClinGen allele CA16036123.